The following is an entry in ClinVar:

ClinVar aggregate classification (germline): Uncertain significance (1 of 4 stars; one submission).

Conditions:
Cardiovascular phenotype. Identifiers: MedGen CN230736.

gnomAD v4.1: 2 of 1,611,332 alleles (0.00012%); highest among the groups gnomAD compares: African/African-American, 0.0013%; no homozygotes.

Submission:

Ambry Genetics
Classification: Uncertain significance for Cardiovascular phenotype. Last evaluated: 2025-03-25. Review status: criteria provided, single submitter. Criteria: Ambry Variant Classification Scheme 2023. Collection method: clinical testing. Allele origin: germline.
Comment: The p.M30I variant (also known as c.90G>C), located in coding exon 1 of the TECRL gene, results from a G to C substitution at nucleotide position 90. The methionine at codon 30 is replaced by isoleucine, an amino acid with highly similar properties. This amino acid position is poorly conserved in available vertebrate species. In addition, this alteration is predicted to be tolerated by in silico analysis. Since supporting evidence is limited at this time, the clinical significance of this alteration remains unclear.

NM_001010874.5(TECRL):c.90G>C (p.Met30Ile)

Gene: TECRL (trans-2,3-enoyl-CoA reductase like; minus strand). Cytogenetic location: 4q13.1.
Variant type: single nucleotide variant.
Coding change: c.90G>C on transcript NM_001010874.5 (MANE Select); coding-DNA position 90, G replaced by C.
Protein change: p.Met30Ile; replaces methionine 30 with isoleucine.
Molecular consequence: missense variant.
Genome position (GRCh38, 1-based): chr4:64,409,262, C>G on the plus strand (G>C on the coding strand, the complement: TECRL is on the minus strand). VCF-style: chr4-64409262-C-G. GRCh37 (hg19) VCF-style: chr4-65274980-C-G.
Other names: c.90G>C, p.Met30Ile (NM_001363796.1); short protein forms M30I.
Identifiers: ClinVar variation 1765808 (VCV001765808.3), dbSNP rs1056139699, ClinGen allele CA98684132.
Genomic context (GRCh38, chr4:64,409,262, plus strand): 5'-TGGAGTTGGTCTTAGAGGGCCCGCTGAGAGTACAAGTTTTGACAAAAAGTGAAAATTTCT[C>G]ATATCATCCTTCAGTATGAACCGTGTAGCTCTTTGGGAAAGTAATGCTCTCTTGCGTTCC-3'
Protein context (NP_001010874.2, residues 20-40): RATRFILKDD[Met30Ile]RNFHFLSKLV